The following is an entry in ClinVar:

ClinVar aggregate classification (germline): Uncertain significance (1 of 4 stars; one submission).

gnomAD v4.1: 3 of 1,594,102 alleles (0.00019%); highest among the groups gnomAD compares: Non-Finnish European, 0.00026%; no homozygotes.

Submission:

Labcorp Genetics (formerly Invitae), Labcorp
Classification: Uncertain significance. Last evaluated: 2024-05-29. Review status: criteria provided, single submitter. Criteria: Invitae Variant Classification Sherloc (09022015). Collection method: clinical testing. Allele origin: germline.
Comment: This sequence change replaces serine, which is neutral and polar, with tryptophan, which is neutral and slightly polar, at codon 53 of the FDX2 protein (p.Ser53Trp). This variant is not present in population databases (gnomAD no frequency). This variant has not been reported in the literature in individuals affected with FDX2-related conditions. Algorithms developed to predict the effect of missense changes on protein structure and function output the following: SIFT: "Not Available"; PolyPhen-2: "Not Available"; Align-GVGD: "Not Available". The tryptophan amino acid residue is found in multiple mammalian species, which suggests that this missense change does not adversely affect protein function. In summary, the available evidence is currently insufficient to determine the role of this variant in disease. Therefore, it has been classified as a Variant of Uncertain Significance.

NM_001397406.1(FDX2):c.149C>G (p.Ser50Trp)

Genes: FDX2 (ferredoxin 2; minus strand), FDX2-ZGLP1 (FDX2-ZGLP1 readthrough (NMD candidate); minus strand), LOC130063486 (ATAC-STARR-seq lymphoblastoid silent region 10064; plus strand). Cytogenetic location: 19p13.2.
Variant type: single nucleotide variant.
Coding change: c.149C>G on transcript NM_001397406.1 (MANE Select); coding-DNA position 149, C replaced by G.
Protein change: p.Ser50Trp; replaces serine 50 with tryptophan.
Molecular consequence: missense variant. On other transcripts: non-coding transcript variant (2).
Genome position (GRCh38, 1-based): chr19:10,315,756, G>C on the plus strand (C>G on the coding strand, the complement: FDX2 is on the minus strand). VCF-style: chr19-10315756-G-C. GRCh37 (hg19) VCF-style: chr19-10426432-G-C.
Other names: short protein forms S50W.
Identifiers: ClinVar variation 3619599 (VCV003619599.2).